The following is an entry in ClinVar:

NM_024596.5(MCPH1):c.799C>T (p.Leu267Phe)

Gene: MCPH1 (microcephalin 1; plus strand). Cytogenetic location: 8p23.1.
Variant type: single nucleotide variant.
Coding change: c.799C>T on transcript NM_024596.5 (MANE Select); coding-DNA position 799, C replaced by T.
Protein change: p.Leu267Phe; replaces leucine 267 with phenylalanine.
Molecular consequence: missense variant. On other transcripts: non-coding transcript variant (1).
Genome position (GRCh38, 1-based): chr8:6,444,521, C>T. VCF-style: chr8-6444521-C-T. GRCh37 (hg19) VCF-style: chr8-6302042-C-T.
Other names: c.799C>T, p.Leu267Phe (NM_001172574.2, NM_001322042.2, NM_001363979.1 and 3 more transcripts); c.655C>T, p.Leu219Phe (NM_001172575.2); c.793C>T, p.Leu265Phe (NM_001322043.2); c.697C>T, p.Leu233Phe (NM_001322045.2); short protein forms L219F, L233F, L265F, L267F.
Identifiers: ClinVar variation 4689165 (VCV004689165.1).

ClinVar aggregate classification (germline): Uncertain significance (1 of 4 stars; one submission).

gnomAD v4.1: 5 of 1,614,176 alleles (0.00031%); highest among the groups gnomAD compares: Admixed American, 0.0017%; no homozygotes.

Submission:

Women's Health and Genetics/Laboratory Corporation of America, LabCorp
Classification: Uncertain significance. Last evaluated: 2026-01-30. Review status: criteria provided, single submitter. Criteria: LabCorp Variant Classification Summary - May 2015. Collection method: clinical testing. Allele origin: germline.
Comment: Variant summary: MCPH1 c.799C>T (p.Leu267Phe) results in a non-conservative amino acid change in the encoded protein sequence. Algorithms developed to predict the effect of missense changes on protein structure and function are either unavailable or do not agree on the potential impact of this missense change. The variant allele was found at a frequency of 4e-06 in 249418 control chromosomes. The available data on variant occurrences in the general population are insufficient to allow any conclusion about variant significance. To our knowledge, no occurrence of c.799C>T in individuals affected with MCPH1-related conditions and no experimental evidence demonstrating its impact on protein function have been reported. No submitters have cited clinical-significance assessments for this variant to ClinVar. Based on the evidence outlined above, the variant was classified as uncertain significance.